The following is an entry in ClinVar:

NC_000022.11:g.20042008_20075379del

Gene: TANGO2 (transport and golgi organization 2 homolog; plus strand). Cytogenetic location: 22q11.21.
Variant type: Deletion.
Identifiers: ClinVar variation 4880218 (VCV004880218.1).

ClinVar aggregate classification (germline): Pathogenic (1 of 4 stars; one submission).

Conditions:
Recurrent metabolic encephalomyopathic crises-rhabdomyolysis-cardiac arrhythmia-intellectual disability syndrome (MECRCN). Also called: Metabolic encephalomyopathic crises, recurrent, with rhabdomyolysis, cardiac arrhythmias, and neurodegeneration; METABOLIC CRISES, RECURRENT, WITH RHABDOMYOLYSIS, CARDIAC ARRHYTHMIAS, AND NEURODEGENERATION; TANGO2 Deficiency. Identifiers: Orphanet 480864, MedGen C5567524, MONDO:0018820, OMIM 616878.

Submission:

Wales Gene Park, Division Of Cancer and Genetics, Cardiff University
Classification: Pathogenic for Recurrent metabolic encephalomyopathic crises-rhabdomyolysis-cardiac arrhythmia-intellectual disability syndrome. Last evaluated: 2026-04-28. Review status: criteria provided, single submitter. Criteria: ACGS Best Practice Guidelines for Variant Classification in Rare Disease 2024. Collection method: research. Allele origin: biparental. Inheritance: Autosomal recessive inheritance. Affected: yes. Study: 100,000 Genomes Project (Wales).
Comment: Homozygous 33,372 bp deletion of TANGO2 detected by trio genome sequencing. Predicted to remove all of coding sequence after exon 2 (NM_152906.7). Evidence codes: PVS1, PM2, PM3_supporting.